The following is an entry in ClinVar:

ClinVar aggregate classification (germline): Uncertain significance (1 of 4 stars; one submission).

Conditions:
Epilepsy, familial focal, with variable foci 3 (FFEVF3). Identifiers: MedGen C4310708, MONDO:0014925, OMIM 617118.

Submission:

Labcorp Genetics (formerly Invitae), Labcorp
Classification: Uncertain significance for Epilepsy, familial focal, with variable foci 3. Last evaluated: 2019-05-02. Review status: criteria provided, single submitter. Criteria: Invitae Variant Classification Sherloc (09022015). Collection method: clinical testing. Allele origin: germline.
Comment: This variant is a gross deletion of the genomic region encompassing exons 10-14 of the NPRL3 gene. The 5' boundary is likely confined to intron 9. The 3' end of this event is unknown as it extends through the termination codon beyond the assayed region for this gene and may encompass additional genes. While this deletion is not anticipated to result in nonsense mediated decay, it is expected to create a truncated protein product or disrupt mRNA translation. This deletion has not been reported in the literature in individuals with NPRL3-related disease. Experimental studies and prediction algorithms are not available for this variant, and the functional significance of the deleted amino acids is currently unknown. In summary, the available evidence is currently insufficient to determine the role of this variant in disease. Therefore, it has been classified as a Variant of Uncertain Significance.

NC_000016.9:g.(?_136684)_(143343_?)del

Gene: NPRL3 (NPR3 like, GATOR1 complex subunit; minus strand). Cytogenetic location: 16p13.3.
Variant type: Deletion.
Identifiers: ClinVar variation 476211 (VCV000476211.3).